The following is an entry in ClinVar:

NM_152618.3(BBS12):c.259A>G (p.Thr87Ala)

Gene: BBS12 (Bardet-Biedl syndrome 12; plus strand). Cytogenetic location: 4q27.
Variant type: single nucleotide variant.
Coding change: c.259A>G on transcript NM_152618.3 (MANE Select); coding-DNA position 259, A replaced by G.
Protein change: p.Thr87Ala; replaces threonine 87 with alanine.
Molecular consequence: missense variant.
Genome position (GRCh38, 1-based): chr4:122,742,151, A>G. VCF-style: chr4-122742151-A-G. GRCh37 (hg19) VCF-style: chr4-123663306-A-G.
Other names: c.259A>G, p.Thr87Ala (NM_001178007.2); c.259A>G (NM_152618.2); short protein forms T87A.
Identifiers: ClinVar variation 2419627 (VCV002419627.4), dbSNP rs1560706527, ClinGen allele CA358222535.
Genomic context (GRCh38, chr4:122,742,151, plus strand): 5'-GGACAACTTCTCAATGAAGCAGTTCAAGCACAAAACAACACATATAGAACTGGAATCAGT[A>G]CTCTTTTGTTTCTTGTTGGTGCTTGGAGCAGTGCAGTTGAAGAATGTCTTCATCTTGGTG-3'
Protein context (NP_689831.2, residues 77-97): QNNTYRTGIS[Thr87Ala]LLFLVGAWSS

ClinVar aggregate classification (germline): Uncertain significance. Review status: criteria provided, multiple submitters, no conflicts (2 of 4 stars). 2 submissions from 2 submitters: Uncertain significance (2). Last evaluated 2024-02-26.

Conditions:
Inborn genetic diseases. Identifiers: MedGen C0950123, MeSH D030342.
Bardet-Biedl syndrome (BBS). Identifiers: Orphanet 110, MedGen C0752166, MONDO:0015229.

Allele frequency attached by ClinVar (database versions not stated): gnomAD exomes below 0.00001; TOPMed below 0.00001; gnomAD 0.00001.
gnomAD v4.1: 4 of 1,613,832 alleles (0.00025%); highest among the groups gnomAD compares: Admixed American, 0.0033%; no homozygotes.

Submissions (2):

Ambry Genetics
Classification: Uncertain significance for Inborn genetic diseases. Last evaluated: 2024-02-26. Review status: criteria provided, single submitter. Criteria: Ambry Variant Classification Scheme 2023. Collection method: clinical testing. Allele origin: germline.

Labcorp Genetics (formerly Invitae), Labcorp
Classification: Uncertain significance for Bardet-Biedl syndrome. Last evaluated: 2022-03-31. Review status: criteria provided, single submitter. Criteria: Invitae Variant Classification Sherloc (09022015). Collection method: clinical testing. Allele origin: germline.
Comment: This sequence change replaces threonine, which is neutral and polar, with alanine, which is neutral and non-polar, at codon 87 of the BBS12 protein (p.Thr87Ala). This variant is not present in population databases (gnomAD no frequency). This variant has not been reported in the literature in individuals affected with BBS12-related conditions. Algorithms developed to predict the effect of missense changes on protein structure and function are either unavailable or do not agree on the potential impact of this missense change (SIFT: "Deleterious"; PolyPhen-2: "Probably Damaging"; Align-GVGD: "Class C0"). In summary, the available evidence is currently insufficient to determine the role of this variant in disease. Therefore, it has been classified as a Variant of Uncertain Significance.